The following is an entry in ClinVar:

ClinVar aggregate classification (germline): Likely benign. Review status: criteria provided, multiple submitters, no conflicts (2 of 4 stars). 2 submissions from 2 submitters: Likely benign (2). Last evaluated 2026-01-27.

Conditions:
Primary dilated cardiomyopathy (DCM). Also called: Dilated Cardiomyopathy. Identifiers: Orphanet 217604, MedGen C0007193, MeSH D002311, MONDO:0005021, HP:0001644. Inheritance: Various modes of inheritance.

Allele frequency attached by ClinVar (database versions not stated): gnomAD exomes 0.00018 and 0.00020; ESP Exome Variant Server 0.00024; gnomAD 0.00029; 1000 Genomes Project 30x 0.00031; TOPMed 0.00031; ExAC 0.00033; 1000 Genomes Project 0.00040.
gnomAD v4.1: 329 of 1,555,052 alleles (0.021%); highest among the groups gnomAD compares: African/African-American, 0.055%; no homozygotes.

Submissions (2):

Labcorp Genetics (formerly Invitae), Labcorp
Classification: Likely benign for Primary dilated cardiomyopathy. Last evaluated: 2026-01-27. Review status: criteria provided, single submitter. Criteria: Invitae Variant Classification Sherloc (09022015). Collection method: clinical testing. Allele origin: germline.

GeneDx
Classification: Likely benign. Last evaluated: 2018-01-31. Review status: criteria provided, single submitter. Criteria: GeneDx Variant Classification (06012015). Collection method: clinical testing. Allele origin: germline. Affected: yes.
Comment: This variant is considered likely benign or benign based on one or more of the following criteria: it is a conservative change, it occurs at a poorly conserved position in the protein, it is predicted to be benign by multiple in silico algorithms, and/or has population frequency not consistent with disease.

NM_006440.5(TXNRD2):c.229+15A>G

Gene: TXNRD2 (thioredoxin reductase 2; minus strand). Cytogenetic location: 22q11.21.
Variant type: single nucleotide variant.
Coding change: c.229+15A>G on transcript NM_006440.5 (MANE Select); 15 bases into the intron after coding-DNA position 229, A replaced by G.
Molecular consequence: intron variant.
Genome position (GRCh38, 1-based): chr22:19,919,528, T>C on the plus strand (A>G on the coding strand, the complement: TXNRD2 is on the minus strand). VCF-style: chr22-19919528-T-C. GRCh37 (hg19) VCF-style: chr22-19907051-T-C.
Other names: c.226+15A>G (NM_001352300.2); c.-60+15A>G (NM_001352302.2); c.139+15A>G (NM_001352301.2); c.229+15A>G (NM_001282512.3); c.133+15A>G (NM_001352303.2).
Identifiers: ClinVar variation 508035 (VCV000508035.9), dbSNP rs370756162, ClinGen allele CA10104297.